The following is an entry in ClinVar:

NM_006904.7(PRKDC):c.5027T>G (p.Ile1676Ser)

Gene: PRKDC (protein kinase, DNA-activated, catalytic subunit; minus strand). Cytogenetic location: 8q11.21.
Variant type: single nucleotide variant.
Coding change: c.5027T>G on transcript NM_006904.7 (MANE Select); coding-DNA position 5027, T replaced by G.
Protein change: p.Ile1676Ser; replaces isoleucine 1676 with serine.
Molecular consequence: missense variant.
Genome position (GRCh38, 1-based): chr8:47,881,456, A>C on the plus strand (T>G on the coding strand, the complement: PRKDC is on the minus strand). VCF-style: chr8-47881456-A-C. GRCh37 (hg19) VCF-style: chr8-48794017-A-C.
Other names: c.5027T>G, p.Ile1676Ser (NM_001081640.2); short protein forms I1676S.
Identifiers: ClinVar variation 2449871 (VCV002449871.2), dbSNP rs2551872540, ClinGen allele CA371139873.

ClinVar aggregate classification (germline): Uncertain significance (1 of 4 stars; one submission).

Submission:

Ambry Genetics
Classification: Uncertain significance. Last evaluated: 2023-01-28. Review status: criteria provided, single submitter. Criteria: Ambry Variant Classification Scheme 2023. Collection method: clinical testing. Allele origin: germline.
Comment: The p.I1676S variant (also known as c.5027T>G), located in coding exon 38 of the PRKDC gene, results from a T to G substitution at nucleotide position 5027. The isoleucine at codon 1676 is replaced by serine, an amino acid with dissimilar properties. This amino acid position is conserved. In addition, this alteration is predicted to be tolerated by in silico analysis. Since supporting evidence is limited at this time, the clinical significance of this alteration remains unclear.